The following is an entry in ClinVar:

NM_152383.5(DIS3L2):c.1716C>G (p.Ile572Met)

Gene: DIS3L2 (DIS3 like 3'-5' exoribonuclease 2; plus strand). Cytogenetic location: 2q37.1.
Variant type: single nucleotide variant.
Coding change: c.1716C>G on transcript NM_152383.5 (MANE Select); coding-DNA position 1716, C replaced by G.
Protein change: p.Ile572Met; replaces isoleucine 572 with methionine.
Molecular consequence: missense variant. On other transcripts: non-coding transcript variant (2), intron variant (1).
Genome position (GRCh38, 1-based): chr2:232,300,096, C>G. VCF-style: chr2-232300096-C-G. GRCh37 (hg19) VCF-style: chr2-233164806-C-G.
Other names: c.1581+36734C>G (NM_001257281.2); short protein forms I572M.
Identifiers: ClinVar variation 1419066 (VCV001419066.6), dbSNP rs1694818061, ClinGen allele CA350978663.

ClinVar aggregate classification (germline): Uncertain significance (1 of 4 stars; one submission).

Conditions:
Perlman syndrome (PRLMNS). Identifiers: Orphanet 2849, MedGen C0796113, MONDO:0009965, OMIM 267000.

Allele frequency attached by ClinVar (database versions not stated): gnomAD exomes below 0.00001.
gnomAD v4.1: 4 of 1,613,842 alleles (0.00025%); highest among the groups gnomAD compares: Non-Finnish European, 0.00034%; no homozygotes.

Submission:

Labcorp Genetics (formerly Invitae), Labcorp
Classification: Uncertain significance for Perlman syndrome. Last evaluated: 2021-11-12. Review status: criteria provided, single submitter. Criteria: Invitae Variant Classification Sherloc (09022015). Collection method: clinical testing. Allele origin: germline.
Comment: This variant has not been reported in the literature in individuals affected with DIS3L2-related conditions. Algorithms developed to predict the effect of missense changes on protein structure and function are either unavailable or do not agree on the potential impact of this missense change (SIFT: "Deleterious"; PolyPhen-2: "Possibly Damaging"; Align-GVGD: "Class C0"). In summary, the available evidence is currently insufficient to determine the role of this variant in disease. Therefore, it has been classified as a Variant of Uncertain Significance. This sequence change replaces isoleucine, which is neutral and non-polar, with methionine, which is neutral and non-polar, at codon 572 of the DIS3L2 protein (p.Ile572Met). This variant is not present in population databases (gnomAD no frequency).